The following is an entry in ClinVar:

ClinVar aggregate classification (germline): Uncertain significance (1 of 4 stars; one submission).

gnomAD v4.1: 1 of 1,614,104 alleles (0.000062%); highest among the groups gnomAD compares: East Asian, 0.0022%; no homozygotes.

Submission:

Labcorp Genetics (formerly Invitae), Labcorp
Classification: Uncertain significance. Last evaluated: 2026-01-10. Review status: criteria provided, single submitter. Criteria: Invitae Variant Classification Sherloc (09022015). Collection method: clinical testing. Allele origin: germline.
Comment: This sequence change replaces valine, which is neutral and non-polar, with leucine, which is neutral and non-polar, at codon 843 of the ALPK3 protein (p.Val843Leu). This variant is not present in population databases (gnomAD no frequency). This variant has not been reported in the literature in individuals affected with ALPK3-related conditions. Invitae Evidence Modeling of protein sequence and biophysical properties (such as structural, functional, and spatial information, amino acid conservation, physicochemical variation, residue mobility, and thermodynamic stability) indicates that this missense variant is not expected to disrupt ALPK3 protein function with a negative predictive value of 80%. In summary, the available evidence is currently insufficient to determine the role of this variant in disease. Therefore, it has been classified as a Variant of Uncertain Significance.

NM_020778.5(ALPK3):c.1921G>T (p.Val641Leu)

Gene: ALPK3 (alpha kinase 3; plus strand). Cytogenetic location: 15q25.3.
Variant type: single nucleotide variant.
Coding change: c.1921G>T on transcript NM_020778.5 (MANE Select); coding-DNA position 1921, G replaced by T.
Protein change: p.Val641Leu; replaces valine 641 with leucine.
Molecular consequence: missense variant.
Genome position (GRCh38, 1-based): chr15:84,856,659, G>T. VCF-style: chr15-84856659-G-T. GRCh37 (hg19) VCF-style: chr15-85399890-G-T.
Other names: short protein forms V641L.
Identifiers: ClinVar variation 4736806 (VCV004736806.1).